The following is an entry in ClinVar:

ClinVar aggregate classification (germline): Likely pathogenic (1 of 4 stars; one submission).

Submission:

Labcorp Genetics (formerly Invitae), Labcorp
Classification: Likely pathogenic. Last evaluated: 2023-11-20. Review status: criteria provided, single submitter. Criteria: Invitae Variant Classification Sherloc (09022015). Collection method: clinical testing. Allele origin: germline.
Comment: This sequence change affects a donor splice site in intron 2 of the BSND gene. It is expected to disrupt RNA splicing. Variants that disrupt the donor or acceptor splice site typically lead to a loss of protein function (PMID: 16199547), and loss-of-function variants in BSND are known to be pathogenic (PMID: 11687798). This variant is not present in population databases (gnomAD no frequency). This variant has not been reported in the literature in individuals affected with BSND-related conditions. Algorithms developed to predict the effect of sequence changes on RNA splicing suggest that this variant may disrupt the consensus splice site. In summary, the currently available evidence indicates that the variant is pathogenic, but additional data are needed to prove that conclusively. Therefore, this variant has been classified as Likely Pathogenic.

Literature cited by the submitters: PubMed 16199547; PubMed 11687798.

NM_057176.3(BSND):c.272+2T>C

Gene: BSND (barttin CLCNK type accessory subunit beta; plus strand). Cytogenetic location: 1p32.3.
Variant type: single nucleotide variant.
Coding change: c.272+2T>C on transcript NM_057176.3 (MANE Select); the canonical splice donor site of the intron after coding-DNA position 272, T replaced by C.
Molecular consequence: splice donor variant.
Genome position (GRCh38, 1-based): chr1:55,005,118, T>C. VCF-style: chr1-55005118-T-C. GRCh37 (hg19) VCF-style: chr1-55470791-T-C.
Identifiers: ClinVar variation 2697674 (VCV002697674.3), dbSNP rs2523079307, ClinGen allele CA340471758.